The following is an entry in ClinVar:

NM_001197104.2(KMT2A):c.9850A>C (p.Thr3284Pro)

Gene: KMT2A (lysine methyltransferase 2A; plus strand). Cytogenetic location: 11q23.3.
Variant type: single nucleotide variant.
Coding change: c.9850A>C on transcript NM_001197104.2 (MANE Select); coding-DNA position 9850, A replaced by C.
Protein change: p.Thr3284Pro; replaces threonine 3284 with proline.
Molecular consequence: missense variant.
Genome position (GRCh38, 1-based): chr11:118,505,742, A>C. VCF-style: chr11-118505742-A-C. GRCh37 (hg19) VCF-style: chr11-118376457-A-C.
Other names: c.9841A>C, p.Thr3281Pro (NM_005933.4); short protein forms T3281P, T3284P.
Identifiers: ClinVar variation 1026297 (VCV001026297.8), dbSNP rs1950570141, ClinGen allele CA382821967.

ClinVar aggregate classification (germline): Uncertain significance (1 of 4 stars; one submission).

Submission:

Labcorp Genetics (formerly Invitae), Labcorp
Classification: Uncertain significance. Last evaluated: 2020-10-21. Review status: criteria provided, single submitter. Criteria: Invitae Variant Classification Sherloc (09022015). Collection method: clinical testing. Allele origin: germline.
Comment: This sequence change replaces threonine with proline at codon 3284 of the KMT2A protein (p.Thr3284Pro). The threonine residue is weakly conserved and there is a small physicochemical difference between threonine and proline. This variant is not present in population databases (ExAC no frequency). This variant has not been reported in the literature in individuals with KMT2A-related conditions. Advanced modeling of protein sequence and biophysical properties (such as structural, functional, and spatial information, amino acid conservation, physicochemical variation, residue mobility, and thermodynamic stability) performed at Invitae indicates that this missense variant is not expected to disrupt KMT2A protein function. In summary, the available evidence is currently insufficient to determine the role of this variant in disease. Therefore, it has been classified as a Variant of Uncertain Significance.